The following is an entry in ClinVar:

ClinVar aggregate classification (germline): Uncertain significance (1 of 4 stars; one submission).

gnomAD v4.1: 10 of 1,614,020 alleles (0.00062%); highest among the groups gnomAD compares: Middle Eastern, 0.016%; no homozygotes.

Submission:

GeneDx
Classification: Uncertain significance. Last evaluated: 2025-06-10. Review status: criteria provided, single submitter. Criteria: GeneDx Variant Classification Process June 2021. Collection method: clinical testing. Allele origin: germline. Affected: yes.
Comment: In silico analysis supports that this missense variant has a deleterious effect on protein structure/function; Has not been previously published as pathogenic or benign to our knowledge

NM_145038.5(DRC1):c.799G>C (p.Glu267Gln)

Gene: DRC1 (dynein regulatory complex subunit 1; plus strand). Cytogenetic location: 2p23.3.
Variant type: single nucleotide variant.
Coding change: c.799G>C on transcript NM_145038.5 (MANE Select); coding-DNA position 799, G replaced by C.
Protein change: p.Glu267Gln; replaces glutamic acid 267 with glutamine.
Molecular consequence: missense variant.
Genome position (GRCh38, 1-based): chr2:26,431,917, G>C. VCF-style: chr2-26431917-G-C. GRCh37 (hg19) VCF-style: chr2-26654785-G-C.
Other names: short protein forms E267Q.
Identifiers: ClinVar variation 4538114 (VCV004538114.1).
Genomic context (GRCh38, chr2:26,431,917, plus strand): 5'-TTTTCCCTTGTCTTCCTGTGCCTTTAGCTGGAGTATCTTAACAACCGCATGAAGAAAGTA[G>C]AGGACTATGAGAAGCAGCTGAACAGGCAGAGGATCTGGGATTGCGAAGAATACAACATGA-3'
Protein context (NP_659475.2, residues 257-277): EYLNNRMKKV[Glu267Gln]DYEKQLNRQR